The following is an entry in ClinVar:

ClinVar aggregate classification (germline): Uncertain significance. Review status: criteria provided, multiple submitters, no conflicts (2 of 4 stars). 2 submissions from 2 submitters: Uncertain significance (2). Last evaluated 2025-10-03.

gnomAD v4.1: 38 of 1,614,156 alleles (0.0024%); highest among the groups gnomAD compares: Non-Finnish European, 0.0032%; no homozygotes.

Submissions (2):

Labcorp Genetics (formerly Invitae), Labcorp
Classification: Uncertain significance. Last evaluated: 2025-10-03. Review status: criteria provided, single submitter. Criteria: Invitae Variant Classification Sherloc (09022015). Collection method: clinical testing. Allele origin: germline.
Comment: This sequence change replaces asparagine, which is neutral and polar, with isoleucine, which is neutral and non-polar, at codon 430 of the MCM2 protein (p.Asn430Ile). This variant is present in population databases (rs372110727, gnomAD 0.004%). This variant has not been reported in the literature in individuals affected with MCM2-related conditions. ClinVar contains an entry for this variant (Variation ID: 546188). Invitae Evidence Modeling of protein sequence and biophysical properties (such as structural, functional, and spatial information, amino acid conservation, physicochemical variation, residue mobility, and thermodynamic stability) indicates that this missense variant is expected to disrupt MCM2 protein function with a positive predictive value of 80%. In summary, the available evidence is currently insufficient to determine the role of this variant in disease. Therefore, it has been classified as a Variant of Uncertain Significance.

GeneDx
Classification: Uncertain significance. Last evaluated: 2025-08-19. Review status: criteria provided, single submitter. Criteria: GeneDx Variant Classification Process June 2021. Collection method: clinical testing. Allele origin: germline. Affected: yes.
Comment: In silico analysis supports that this missense variant has a deleterious effect on protein structure/function; Has not been previously published as pathogenic or benign to our knowledge; Variants in candidate genes are classified as variants of uncertain significance in accordance with ACMG guidelines (PMID: 25741868)

NM_004526.4(MCM2):c.1289A>T (p.Asn430Ile)

Gene: MCM2 (minichromosome maintenance complex component 2; plus strand). Cytogenetic location: 3q21.3.
Variant type: single nucleotide variant.
Coding change: c.1289A>T on transcript NM_004526.4 (MANE Select); coding-DNA position 1289, A replaced by T.
Protein change: p.Asn430Ile; replaces asparagine 430 with isoleucine.
Molecular consequence: missense variant. On other transcripts: non-coding transcript variant (1).
Genome position (GRCh38, 1-based): chr3:127,608,884, A>T. VCF-style: chr3-127608884-A-T. GRCh37 (hg19) VCF-style: chr3-127327727-A-T.
Other names: short protein forms N430I.
Identifiers: ClinVar variation 546188 (VCV000546188.7), dbSNP rs372110727, ClinGen allele CA2595851.
Genomic context (GRCh38, chr3:127,608,884, plus strand): 5'-TTCCCCAGGAGCTGACTGGCATCTATCACAACAACTATGATGGCTCCCTCAACACTGCCA[A>T]TGGCTTCCCTGTCTTTGCCACTGTCATCCTAGCCAACCACGTGGCCAAGAAGGACAACAA-3'
Protein context (NP_004517.2, residues 420-440): NNYDGSLNTA[Asn430Ile]GFPVFATVIL